The following is an entry in ClinVar:

NM_001042492.3(NF1):c.2112G>A (p.Leu704=)

Gene: NF1 (neurofibromin 1; plus strand). Cytogenetic location: 17q11.2.
Variant type: single nucleotide variant.
Coding change: c.2112G>A on transcript NM_001042492.3 (MANE Select); coding-DNA position 2112, G replaced by A.
Protein change: p.Leu704=; no amino-acid change (leucine 704 retained).
Molecular consequence: synonymous variant.
Genome position (GRCh38, 1-based): chr17:31,226,545, G>A. VCF-style: chr17-31226545-G-A. GRCh37 (hg19) VCF-style: chr17-29553563-G-A.
Other names: c.2112G>A, p.Leu704= (NM_000267.4).
Identifiers: ClinVar variation 1786132 (VCV001786132.8), dbSNP rs2151425805, ClinGen allele CA499443765.

ClinVar aggregate classification (germline): Benign/Likely benign. Review status: criteria provided, multiple submitters, no conflicts (2 of 4 stars). 3 submissions from 3 submitters: Benign (1); Likely benign (2). Last evaluated 2026-09-29.

Conditions:
Cardiovascular phenotype. Identifiers: MedGen CN230736.
Hereditary cancer-predisposing syndrome. Also called: Hereditary neoplastic syndrome; Neoplastic Syndromes, Hereditary; Tumor predisposition; Hereditary Cancer Syndrome. Identifiers: Orphanet 140162, MedGen C0027672, MeSH D009386, MONDO:0015356.
Neurofibromatosis, type 1 (NF1). Also called: VON RECKLINGHAUSEN DISEASE; Peripheral type neurofibromatosis; NEUROFIBROMATOSIS, TYPE I, SOMATIC; Neurofibromatosis, type I. Identifiers: Orphanet 636, MedGen C0027831, MONDO:0018975, OMIM 162200. Disease mechanism: loss of function.

Allele frequency attached by ClinVar (database versions not stated): gnomAD exomes below 0.00001.
gnomAD v4.1: 1 of 1,613,896 alleles (0.000062%); highest among the groups gnomAD compares: Non-Finnish European, 0.000085%; no homozygotes.

Submissions (3):

Myriad Genetics, Inc.
Classification: Benign for Neurofibromatosis, type 1. Last evaluated: 2026-09-29. Review status: criteria provided, single submitter. Criteria: Myriad Autosomal Dominant, Autosomal Recessive and X-Linked Classification Criteria (2023). Collection method: clinical testing. Allele origin: unknown.
Comment: This variant is considered benign. This variant is a silent/synonymous amino acid change and it is not expected to impact splicing.

Labcorp Genetics (formerly Invitae), Labcorp
Classification: Likely benign for Neurofibromatosis, type 1. Last evaluated: 2024-05-26. Review status: criteria provided, single submitter. Criteria: Invitae Variant Classification Sherloc (09022015). Collection method: clinical testing. Allele origin: germline.

Ambry Genetics
Classification: Likely benign for Cardiovascular phenotype; Hereditary cancer-predisposing syndrome. Last evaluated: 2020-02-25. Review status: criteria provided, single submitter. Criteria: Ambry Variant Classification Scheme 2023. Collection method: clinical testing. Allele origin: germline.